The following is an entry in ClinVar:

ClinVar aggregate classification (germline): Benign. Review status: criteria provided, multiple submitters, no conflicts (2 of 4 stars). 5 submissions from 5 submitters: Benign (5). Last evaluated 2026-02-01.

Conditions:
Autosomal dominant nonsyndromic hearing loss 5. Identifiers: Orphanet 90635, MedGen C1832932, MONDO:0010973, OMIM 600994.

Allele frequency attached by ClinVar (database versions not stated): gnomAD 0.03926 and 0.03853; ExAC 0.04247; gnomAD exomes 0.04350 and 0.05300; 1000 Genomes Project 30x 0.02139; 1000 Genomes Project 0.02196; TOPMed 0.03595; ESP Exome Variant Server 0.03898.
gnomAD v4.1: 83,100 of 1,613,916 alleles (5.1%); highest among the groups gnomAD compares: Non-Finnish European, 5.8%; 2,473 homozygotes.

Submissions (5):

Labcorp Genetics (formerly Invitae), Labcorp
Classification: Benign. Last evaluated: 2026-02-01. Review status: criteria provided, single submitter. Criteria: Invitae Variant Classification Sherloc (09022015). Collection method: clinical testing. Allele origin: germline.

Mayo Clinic Laboratories, Mayo Clinic
Classification: Benign. Last evaluated: 2022-05-01. Review status: criteria provided, single submitter. Criteria: ACMG Guidelines, 2015. Collection method: clinical testing. Allele origin: germline. Observed: 15 variant alleles.

Illumina Laboratory Services, Illumina
Classification: Benign for Autosomal dominant nonsyndromic hearing loss 5. Last evaluated: 2018-01-12. Review status: criteria provided, single submitter. Criteria: ICSL Variant Classification Criteria 13 December 2019. Collection method: clinical testing. Allele origin: germline.
Comment: This variant was observed in the ICSL laboratory as part of a predisposition screen in an ostensibly healthy population. It had not been previously curated by ICSL or reported in the Human Gene Mutation Database (HGMD: prior to June 1st, 2018), and was therefore a candidate for classification through an automated scoring system. Utilizing variant allele frequency, disease prevalence and penetrance estimates, and inheritance mode, an automated score was calculated to assess if this variant is too frequent to cause the disease. Based on the score and internal cut-off values, a variant classified as benign is not then subjected to further curation. The score for this variant resulted in a classification of benign for this disease.

GeneDx
Classification: Benign. Last evaluated: 2017-08-03. Review status: criteria provided, single submitter. Criteria: GeneDx Variant Classification (06012015). Collection method: clinical testing. Allele origin: germline. Affected: yes.
Comment: This variant is considered likely benign or benign based on one or more of the following criteria: it is a conservative change, it occurs at a poorly conserved position in the protein, it is predicted to be benign by multiple in silico algorithms, and/or has population frequency not consistent with disease.

Laboratory for Molecular Medicine, Mass General Brigham Personalized Medicine
Classification: Benign. Last evaluated: 2012-05-07. Review status: criteria provided, single submitter. Criteria: LMM Criteria. Collection method: clinical testing. Allele origin: germline. Observed: 131 variant alleles.
Comment: 863-6T>C in Intron 06 of DFNA5: This variant is not expected to have clinical si gnificance because it has been identified in 5.4% (380/7020) of European America n chromosomes from a broad population by the NHLBI Exome Sequencing Project (dbSNP rs55735863).

NM_001127453.2(GSDME):c.863-6T>C

Gene: GSDME (gasdermin E; minus strand). Cytogenetic location: 7p15.3.
Variant type: single nucleotide variant.
Coding change: c.863-6T>C on transcript NM_001127453.2 (MANE Select); 6 bases into the intron before coding-DNA position 863, T replaced by C.
Molecular consequence: intron variant.
Genome position (GRCh38, 1-based): chr7:24,708,260, A>G on the plus strand (T>C on the coding strand, the complement: GSDME is on the minus strand). VCF-style: chr7-24708260-A-G. GRCh37 (hg19) VCF-style: chr7-24747879-A-G.
Other names: p.?; c.371-6T>C (NM_001127454.2); c.863-6T>C (NM_004403.3).
Identifiers: ClinVar variation 44848 (VCV000044848.16), dbSNP rs55735863, ClinGen allele CA135171.